The following is an entry in ClinVar:

NM_002180.3(IGHMBP2):c.1905A>G (p.Glu635=)

Gene: IGHMBP2 (immunoglobulin mu DNA binding protein 2; plus strand). Cytogenetic location: 11q13.3.
Variant type: single nucleotide variant.
Coding change: c.1905A>G on transcript NM_002180.3 (MANE Select); coding-DNA position 1905, A replaced by G.
Protein change: p.Glu635=; no amino-acid change (glutamic acid 635 retained).
Molecular consequence: synonymous variant.
Genome position (GRCh38, 1-based): chr11:68,936,385, A>G. VCF-style: chr11-68936385-A-G. GRCh37 (hg19) VCF-style: chr11-68703853-A-G.
Identifiers: ClinVar variation 1915824 (VCV001915824.5), dbSNP rs1859527882, ClinGen allele CA475204382.

ClinVar aggregate classification (germline): Uncertain significance (1 of 4 stars; one submission).

Conditions:
Autosomal recessive distal spinal muscular atrophy 1. Also called: SEVERE INFANTILE AXONAL NEUROPATHY WITH RESPIRATORY FAILURE; SPINAL MUSCULAR ATROPHY, DIAPHRAGMATIC; Spinal muscular atrophy with respiratory distress 1; HMN VI; NEURONOPATHY, SEVERE INFANTILE AXONAL, WITH RESPIRATORY FAILURE; NEURONOPATHY, DISTAL HEREDITARY MOTOR, HARDING TYPE VI. Identifiers: Orphanet 98920, MedGen C1858517, MONDO:0011436, OMIM 604320.
Charcot-Marie-Tooth disease axonal type 2S. Also called: CHARCOT-MARIE-TOOTH NEUROPATHY, TYPE 2S; CHARCOT-MARIE-TOOTH DISEASE, AXONAL, AUTOSOMAL RECESSIVE, TYPE 2S. Identifiers: Orphanet 443073, MedGen C4015349, MONDO:0014511, OMIM 616155.

Allele frequency attached by ClinVar (database versions not stated): gnomAD exomes below 0.00001; TOPMed below 0.00001.
gnomAD v4.1: 2 of 1,614,222 alleles (0.00012%); highest among the groups gnomAD compares: Non-Finnish European, 0.00017%; no homozygotes.

Submission:

Labcorp Genetics (formerly Invitae), Labcorp
Classification: Uncertain significance for Autosomal recessive distal spinal muscular atrophy 1; Charcot-Marie-Tooth disease axonal type 2S. Last evaluated: 2022-06-06. Review status: criteria provided, single submitter. Criteria: Invitae Variant Classification Sherloc (09022015). Collection method: clinical testing. Allele origin: germline.
Comment: This sequence change affects codon 635 of the IGHMBP2 mRNA. It is a 'silent' change, meaning that it does not change the encoded amino acid sequence of the IGHMBP2 protein. This variant is not present in population databases (gnomAD no frequency). This variant has not been reported in the literature in individuals affected with IGHMBP2-related conditions. Algorithms developed to predict the effect of sequence changes on RNA splicing suggest that this variant may create or strengthen a splice site. In summary, the available evidence is currently insufficient to determine the role of this variant in disease. Therefore, it has been classified as a Variant of Uncertain Significance.